The following is an entry in ClinVar:

NM_000038.6(APC):c.-19+2871G>T

Gene: APC (APC regulator of WNT signaling pathway; plus strand). Cytogenetic location: 5q22.2.
Variant type: single nucleotide variant.
Coding change: c.-19+2871G>T on transcript NM_000038.6 (MANE Select); 2871 bases into the intron after 19 bases upstream of the start codon, G replaced by T.
Molecular consequence: intron variant.
Genome position (GRCh38, 1-based): chr5:112,740,796, G>T. VCF-style: chr5-112740796-G-T. GRCh37 (hg19) VCF-style: chr5-112076493-G-T.
Other names: c.-18-14077G>T (NM_001354895.2); c.166-25530G>T (NM_001354897.2, NM_001354902.2, NM_001127511.3); c.-19+2336G>T (NM_001127510.3); c.60+2336G>T (NM_001354898.2, NM_001354904.2); c.-1054+2871G>T (NM_001354906.2); c.-19+2871G>T (NM_001354896.2, NM_001354903.2, NM_001354899.2); c.-43+2871G>T (NM_001354900.2, NM_001354901.2, NM_001354905.2).
Identifiers: ClinVar variation 82339 (VCV000082339.2), dbSNP rs76705974, ClinGen allele CA006428.
Genomic context (GRCh38, chr5:112,740,796, plus strand): 5'-GGGTGGTCTCGAACTCGTGAGCTCAAATGATCCTCCCACCTCAGCCTCCCAAAGTGCTGG[G>T]ATTTACAGGTGTGAGCCACCATGAAGTTTTTCCATTTGCATTAATTGCTCTGTAGATTTT-3'

ClinVar aggregate classification (germline): other (0 of 4 stars; one submission).

Conditions:
Familial colorectal cancer. Identifiers: MedGen CN280943, MONDO:0023113. Disease mechanism: loss of function.

Submission:

Systems Biology Platform Zhejiang California International NanoSystems Institute
Classification: other for Familial colorectal cancer. Review status: no assertion criteria provided. Collection method: not provided. Allele origin: unknown.
ClinVar note: Converted during submission from cancer to other.